The following is an entry in ClinVar:

NM_021969.3(NR0B2):c.322G>C (p.Glu108Gln)

Genes: NR0B2 (nuclear receptor subfamily 0 group B member 2; minus strand), NUDC (nuclear distribution C, dynein complex regulator; plus strand). Cytogenetic location: 1p36.11.
Variant type: single nucleotide variant.
Coding change: c.322G>C on transcript NM_021969.3 (MANE Select); coding-DNA position 322, G replaced by C.
Protein change: p.Glu108Gln; replaces glutamic acid 108 with glutamine.
Molecular consequence: missense variant.
Genome position (GRCh38, 1-based): chr1:26,913,619, C>G on the plus strand (G>C on the coding strand, the complement: NR0B2 is on the minus strand). VCF-style: chr1-26913619-C-G. GRCh37 (hg19) VCF-style: chr1-27240110-C-G.
Other names: short protein forms E108Q.
Identifiers: ClinVar variation 4992605 (VCV004992605.1).

ClinVar aggregate classification (germline): Uncertain significance (1 of 4 stars; one submission).

Conditions:
NR0B2-related disorder. Also called: NR0B2-related condition.

gnomAD v4.1: 2 of 1,613,928 alleles (0.00012%); highest among the groups gnomAD compares: African/African-American, 0.0013%; no homozygotes.

Submission:

PreventionGenetics, part of Exact Sciences
Classification: Uncertain significance for NR0B2-related condition. Last evaluated: 2025-09-25. Review status: criteria provided, single submitter. Criteria: ACMG Guidelines, 2015. Collection method: clinical testing. Allele origin: germline.
Comment: The NR0B2 c.322G>C variant is predicted to result in the amino acid substitution p.Glu108Gln. To our knowledge, this variant has not been reported in the literature or in a large population database (gnomAD), indicating this variant is rare. At this time, the clinical significance of this variant is uncertain due to the absence of conclusive functional and genetic evidence.